The following is an entry in ClinVar:

NM_015965.7(NDUFA13):c.186C>G (p.Ile62Met)

Gene: NDUFA13 (NADH:ubiquinone oxidoreductase subunit A13; plus strand). Cytogenetic location: 19p13.11.
Variant type: single nucleotide variant.
Coding change: c.186C>G on transcript NM_015965.7 (MANE Select); coding-DNA position 186, C replaced by G.
Protein change: p.Ile62Met; replaces isoleucine 62 with methionine.
Molecular consequence: missense variant.
Genome position (GRCh38, 1-based): chr19:19,527,293, C>G. VCF-style: chr19-19527293-C-G. GRCh37 (hg19) VCF-style: chr19-19638102-C-G.
Other names: short protein forms I62M.
Identifiers: ClinVar variation 4282248 (VCV004282248.1).

ClinVar aggregate classification (germline): Uncertain significance (1 of 4 stars; one submission).

gnomAD v4.1: 1 of 1,613,930 alleles (0.000062%); highest among the groups gnomAD compares: South Asian, 0.0011%; no homozygotes.

Submission:

GeneDx
Classification: Uncertain significance. Last evaluated: 2025-04-14. Review status: criteria provided, single submitter. Criteria: GeneDx Variant Classification Process June 2021. Collection method: clinical testing. Allele origin: germline. Affected: yes.
Comment: Not observed at significant frequency in large population cohorts (gnomAD); In silico analysis indicates that this missense variant does not alter protein structure/function; Has not been previously published as pathogenic or benign to our knowledge